The following is an entry in ClinVar:

ClinVar aggregate classification (germline): Uncertain significance. Review status: criteria provided, multiple submitters, no conflicts (2 of 4 stars). 2 submissions from 2 submitters: Uncertain significance (2). Last evaluated 2022-01-24.

Submissions (2):

GeneDx
Classification: Uncertain significance. Last evaluated: 2022-01-24. Review status: criteria provided, single submitter. Criteria: GeneDx Variant Classification Process June 2021. Collection method: clinical testing. Allele origin: germline. Affected: yes.
Comment: Not observed at significant frequency in large population cohorts (gnomAD); Frameshift variant predicted to result in protein truncation, as the last 56 amino acids are replaced with 175 different amino acids; Has not been previously published as pathogenic or benign to our knowledge

CeGaT Center for Human Genetics Tuebingen
Classification: Uncertain significance. Last evaluated: 2020-01-01. Review status: criteria provided, single submitter. Criteria: CeGaT Center For Human Genetics Tuebingen Variant Classification Criteria Version 2. Collection method: clinical testing. Allele origin: germline. Affected: yes. Observed: 3 variant alleles.

NM_001256627.2(BRSK2):c.2042del (p.Lys681fs)

Gene: BRSK2 (BR serine/threonine kinase 2; plus strand). Cytogenetic location: 11p15.5.
Variant type: Deletion.
Coding change: c.2042del on transcript NM_001256627.2 (MANE Select); coding-DNA position 2042, one base deleted (A; older notation c.2042delA).
Protein change: p.Lys681fs; shifts the reading frame from lysine 681.
Molecular consequence: frameshift variant. On other transcripts: intron variant (3).
Genome position (GRCh38, 1-based): chr11:1,460,554, A deleted; the last of 2 consecutive A bases (chr11:1,460,553-1,460,554); deleting either gives the same sequence. VCF-style (leftmost placement, unchanged base first): chr11-1460552-GA-G. GRCh37 (hg19) VCF-style: chr11-1481782-GA-G.
Other names: c.2132del, p.Lys711fs (NM_001256630.1); c.*10-416del (NM_001256629.2, NM_001282218.2); c.1988-416del (NM_003957.4); short protein forms K681fs, K711fs.
Identifiers: ClinVar variation 871726 (VCV000871726.43), dbSNP rs1847343158, ClinGen allele CA934350892.